The following is an entry in ClinVar:

NM_031418.4(ANO3):c.1693G>T (p.Val565Leu)

Gene: ANO3 (anoctamin 3; plus strand). Cytogenetic location: 11p14.2.
Variant type: single nucleotide variant.
Coding change: c.1693G>T on transcript NM_031418.4 (MANE Select); coding-DNA position 1693, G replaced by T.
Protein change: p.Val565Leu; replaces valine 565 with leucine.
Molecular consequence: missense variant.
Genome position (GRCh38, 1-based): chr11:26,599,571, G>T. VCF-style: chr11-26599571-G-T. GRCh37 (hg19) VCF-style: chr11-26621118-G-T.
Other names: c.1876G>T, p.Val626Leu (NM_001313726.2); c.1255G>T, p.Val419Leu (NM_001313727.2); short protein forms V565L, V626L, V419L.
Identifiers: ClinVar variation 1044057 (VCV001044057.8), dbSNP rs1851733899, ClinGen allele CA379941279.

ClinVar aggregate classification (germline): Uncertain significance (1 of 4 stars; one submission).

Conditions:
Dystonic disorder. Also called: Dystonia. Identifiers: MedGen C0013421, MONDO:0003441, HP:0001332.

Submission:

Labcorp Genetics (formerly Invitae), Labcorp
Classification: Uncertain significance for Dystonic disorder. Last evaluated: 2020-09-20. Review status: criteria provided, single submitter. Criteria: Invitae Variant Classification Sherloc (09022015). Collection method: clinical testing. Allele origin: germline.
Comment: In summary, the available evidence is currently insufficient to determine the role of this variant in disease. Therefore, it has been classified as a Variant of Uncertain Significance. Advanced modeling of protein sequence and biophysical properties (such as structural, functional, and spatial information, amino acid conservation, physicochemical variation, residue mobility, and thermodynamic stability) performed at Invitae indicates that this missense variant is not expected to disrupt ANO3 protein function. This variant has not been reported in the literature in individuals with ANO3-related conditions. This variant is not present in population databases (ExAC no frequency). This sequence change replaces valine with leucine at codon 565 of the ANO3 protein (p.Val565Leu). The valine residue is highly conserved and there is a small physicochemical difference between valine and leucine.